The following is an entry in ClinVar:

NM_053025.4(MYLK):c.4074T>A (p.Asp1358Glu)

Gene: MYLK (myosin light chain kinase; minus strand). Cytogenetic location: 3q21.1.
Variant type: single nucleotide variant.
Coding change: c.4074T>A on transcript NM_053025.4 (MANE Select); coding-DNA position 4074, T replaced by A.
Protein change: p.Asp1358Glu; replaces aspartic acid 1358 with glutamic acid.
Molecular consequence: missense variant.
Genome position (GRCh38, 1-based): chr3:123,657,340, A>T on the plus strand (T>A on the coding strand, the complement: MYLK is on the minus strand). VCF-style: chr3-123657340-A-T. GRCh37 (hg19) VCF-style: chr3-123376187-A-T.
Other names: c.3546T>A, p.Asp1182Glu (NM_001321309.2); c.3867T>A, p.Asp1289Glu (NM_053026.4, NM_053028.4); c.4074T>A, p.Asp1358Glu (NM_053027.4); short protein forms D1358E, D1289E, D1182E.
Identifiers: ClinVar variation 2452954 (VCV002452954.7), dbSNP rs2059420069, ClinGen allele CA354228194.

ClinVar aggregate classification (germline): Conflicting classifications of pathogenicity. Review status: criteria provided, conflicting classifications (1 of 4 stars). 4 submissions from 4 submitters: Likely pathogenic (1); Uncertain significance (3). Last evaluated 2025-04-09.

Conditions:
MYLK-related disorder. Also called: MYLK-related condition.
Aortic aneurysm, familial thoracic 7 (AAT7). Also called: AORTIC DISSECTION, FAMILIAL, WITH OR WITHOUT AORTIC ANEURYSM. Identifiers: MedGen C3151077, MONDO:0013418, OMIM 613780.
Familial thoracic aortic aneurysm and aortic dissection (TAAD). Also called: Thoracic aortic aneurysms and dissections. Identifiers: Orphanet 91387, MedGen C4707243, MONDO:0019625.
Cardiovascular phenotype. Identifiers: MedGen CN230736.

Allele frequency attached by ClinVar (database versions not stated): TOPMed below 0.00001.

Submissions (4):

Molecular Diagnostic Laboratory for Inherited Cardiovascular Disease, Montreal Heart Institute
Classification: Uncertain significance for Cardiovascular phenotype. Last evaluated: 2025-04-09. Review status: criteria provided, single submitter. Criteria: ACMG Guidelines, 2015. Collection method: clinical testing. Allele origin: germline. Affected: yes.
Comment: PM2, PP3

Blueprint Genetics
Classification: Likely pathogenic for MYLK-related disorders. Last evaluated: 2024-07-05. Review status: criteria provided, single submitter. Criteria: ACMG Guidelines, 2015. Collection method: clinical testing. Allele origin: germline. Affected: yes. Observed: 5 variant alleles.

Labcorp Genetics (formerly Invitae), Labcorp
Classification: Uncertain significance for Aortic aneurysm, familial thoracic 7. Last evaluated: 2023-01-17. Review status: criteria provided, single submitter. Criteria: Invitae Variant Classification Sherloc (09022015). Collection method: clinical testing. Allele origin: germline.
Comment: This sequence change replaces aspartic acid, which is acidic and polar, with glutamic acid, which is acidic and polar, at codon 1358 of the MYLK protein (p.Asp1358Glu). This variant is not present in population databases (gnomAD no frequency). This variant has not been reported in the literature in individuals affected with MYLK-related conditions. Advanced modeling of protein sequence and biophysical properties (such as structural, functional, and spatial information, amino acid conservation, physicochemical variation, residue mobility, and thermodynamic stability) performed at Invitae indicates that this missense variant is not expected to disrupt MYLK protein function. In summary, the available evidence is currently insufficient to determine the role of this variant in disease. Therefore, it has been classified as a Variant of Uncertain Significance.

Ambry Genetics
Classification: Uncertain significance for Familial thoracic aortic aneurysm and aortic dissection. Last evaluated: 2022-11-27. Review status: criteria provided, single submitter. Criteria: Ambry Variant Classification Scheme 2023. Collection method: clinical testing. Allele origin: germline.
Comment: The p.D1358E variant (also known as c.4074T>A), located in coding exon 21 of the MYLK gene, results from a T to A substitution at nucleotide position 4074. The aspartic acid at codon 1358 is replaced by glutamic acid, an amino acid with highly similar properties. This amino acid position is conserved. In addition, the in silico prediction for this alteration is inconclusive. Since supporting evidence is limited at this time, the clinical significance of this alteration remains unclear.